The following is an entry in ClinVar:

ClinVar aggregate classification (germline): Uncertain significance. Review status: criteria provided, multiple submitters, no conflicts (2 of 4 stars). 2 submissions from 2 submitters: Uncertain significance (2). Last evaluated 2025-08-29.

Conditions:
Hereditary cancer-predisposing syndrome. Also called: Tumor predisposition; Hereditary Cancer Syndrome; Neoplastic Syndromes, Hereditary; Hereditary neoplastic syndrome. Identifiers: Orphanet 140162, MedGen C0027672, MeSH D009386, MONDO:0015356.
Familial cancer of breast. Also called: BREAST CANCER, FAMILIAL; Hereditary breast cancer; hereditary breast carcinoma. Identifiers: Orphanet 227535, MedGen C0346153, MONDO:0016419, OMIM 114480. Disease mechanism: loss of function.

Allele frequency attached by ClinVar (database versions not stated): gnomAD exomes below 0.00001.
gnomAD v4.1: 1 of 1,614,090 alleles (0.000062%); highest among the groups gnomAD compares: Admixed American, 0.0017%; no homozygotes.

Submissions (2):

Labcorp Genetics (formerly Invitae), Labcorp
Classification: Uncertain significance for Familial cancer of breast. Last evaluated: 2025-08-29. Review status: criteria provided, single submitter. Criteria: Invitae Variant Classification Sherloc (09022015). Collection method: clinical testing. Allele origin: germline.
Comment: This sequence change replaces histidine, which is basic and polar, with aspartic acid, which is acidic and polar, at codon 325 of the BARD1 protein (p.His325Asp). This variant is present in population databases (no rsID available, gnomAD 0.003%). This variant has not been reported in the literature in individuals affected with BARD1-related conditions. ClinVar contains an entry for this variant (Variation ID: 823444). An algorithm developed to predict the effect of missense changes on protein structure and function (PolyPhen-2) suggests that this variant is likely to be tolerated. In summary, the available evidence is currently insufficient to determine the role of this variant in disease. Therefore, it has been classified as a Variant of Uncertain Significance.

Ambry Genetics
Classification: Uncertain significance for Hereditary cancer-predisposing syndrome. Last evaluated: 2025-04-19. Review status: criteria provided, single submitter. Criteria: Ambry Variant Classification Scheme 2023. Collection method: clinical testing. Allele origin: germline.
Comment: The p.H325D variant (also known as c.973C>G), located in coding exon 4 of the BARD1 gene, results from a C to G substitution at nucleotide position 973. The histidine at codon 325 is replaced by aspartic acid, an amino acid with similar properties. This amino acid position is poorly conserved in available vertebrate species. In addition, this alteration is predicted to be tolerated by in silico analysis. Since supporting evidence is limited at this time, the clinical significance of this alteration remains unclear.

NM_000465.4(BARD1):c.973C>G (p.His325Asp)

Gene: BARD1 (BRCA1 associated RING domain 1; minus strand). Cytogenetic location: 2q35.
Variant type: single nucleotide variant.
Coding change: c.973C>G on transcript NM_000465.4 (MANE Select); coding-DNA position 973, C replaced by G.
Protein change: p.His325Asp; replaces histidine 325 with aspartic acid.
Molecular consequence: missense variant. On other transcripts: non-coding transcript variant (2), intron variant (3).
Genome position (GRCh38, 1-based): chr2:214,780,901, G>C on the plus strand (C>G on the coding strand, the complement: BARD1 is on the minus strand). VCF-style: chr2-214780901-G-C. GRCh37 (hg19) VCF-style: chr2-215645625-G-C.
Other names: c.916C>G, p.His306Asp (NM_001282543.2); c.159-28346C>G (NM_001282548.2); c.215+16160C>G (NM_001282545.2); c.364+11396C>G (NM_001282549.2); short protein forms H325D, H306D.
Identifiers: ClinVar variation 823444 (VCV000823444.8), dbSNP rs1358719583, ClinGen allele CA350454622.